The following is an entry in ClinVar:

ClinVar aggregate classification (germline): Uncertain significance (1 of 4 stars; one submission).

Conditions:
Amyotrophic lateral sclerosis type 4 (ALS4). Also called: AMYOTROPHIC LATERAL SCLEROSIS 4, JUVENILE; NEURONOPATHY, DISTAL HEREDITARY MOTOR, WITH PYRAMIDAL FEATURES. Identifiers: Orphanet 357043, MedGen C1865409, MONDO:0011223, OMIM 602433.
Spinocerebellar ataxia, autosomal recessive, with axonal neuropathy 2 (SCAN2). Also called: ATAXIA-OCULOMOTOR APRAXIA 2; Ataxia with Oculomotor Apraxia Type 2; Ataxia-ocular apraxia-2; Ataxia with Oculomotor Apraxia. Identifiers: Orphanet 64753, MedGen C1853761, MONDO:0018996, OMIM 606002.

Submission:

Labcorp Genetics (formerly Invitae), Labcorp
Classification: Uncertain significance for Amyotrophic lateral sclerosis type 4; Spinocerebellar ataxia, autosomal recessive, with axonal neuropathy 2. Last evaluated: 2024-02-15. Review status: criteria provided, single submitter. Criteria: Invitae Variant Classification Sherloc (09022015). Collection method: clinical testing. Allele origin: germline.
Comment: This sequence change replaces glycine, which is neutral and non-polar, with valine, which is neutral and non-polar, at codon 1429 of the SETX protein (p.Gly1429Val). This variant is not present in population databases (gnomAD no frequency). This variant has not been reported in the literature in individuals affected with SETX-related conditions. Advanced modeling of protein sequence and biophysical properties (such as structural, functional, and spatial information, amino acid conservation, physicochemical variation, residue mobility, and thermodynamic stability) performed at Invitae indicates that this missense variant is not expected to disrupt SETX protein function with a negative predictive value of 95%. In summary, the available evidence is currently insufficient to determine the role of this variant in disease. Therefore, it has been classified as a Variant of Uncertain Significance.

NM_015046.7(SETX):c.4286G>T (p.Gly1429Val)

Gene: SETX (senataxin; minus strand). Cytogenetic location: 9q34.13.
Variant type: single nucleotide variant.
Coding change: c.4286G>T on transcript NM_015046.7 (MANE Select); coding-DNA position 4286, G replaced by T.
Protein change: p.Gly1429Val; replaces glycine 1429 with valine.
Molecular consequence: missense variant.
Genome position (GRCh38, 1-based): chr9:132,327,312, C>A on the plus strand (G>T on the coding strand, the complement: SETX is on the minus strand). VCF-style: chr9-132327312-C-A. GRCh37 (hg19) VCF-style: chr9-135202699-C-A.
Other names: c.4286G>T, p.Gly1429Val (NM_001351527.2, NM_001351528.2); short protein forms G1429V.
Identifiers: ClinVar variation 3753928 (VCV003753928.2).